The following is an entry in ClinVar:

NM_003737.4(DCHS1):c.2423G>C (p.Ser808Thr)

Gene: DCHS1 (dachsous cadherin-related 1; minus strand). Cytogenetic location: 11p15.4.
Variant type: single nucleotide variant.
Coding change: c.2423G>C on transcript NM_003737.4 (MANE Select); coding-DNA position 2423, G replaced by C.
Protein change: p.Ser808Thr; replaces serine 808 with threonine.
Molecular consequence: missense variant.
Genome position (GRCh38, 1-based): chr11:6,633,444, C>G on the plus strand (G>C on the coding strand, the complement: DCHS1 is on the minus strand). VCF-style: chr11-6633444-C-G. GRCh37 (hg19) VCF-style: chr11-6654675-C-G.
Other names: short protein forms S808T.
Identifiers: ClinVar variation 2712017 (VCV002712017.3), dbSNP rs376646192, ClinGen allele CA379421712.

ClinVar aggregate classification (germline): Uncertain significance (1 of 4 stars; one submission).

Submission:

Labcorp Genetics (formerly Invitae), Labcorp
Classification: Uncertain significance. Last evaluated: 2024-02-06. Review status: criteria provided, single submitter. Criteria: Invitae Variant Classification Sherloc (09022015). Collection method: clinical testing. Allele origin: germline.
Comment: This sequence change replaces serine, which is neutral and polar, with threonine, which is neutral and polar, at codon 808 of the DCHS1 protein (p.Ser808Thr). This variant is not present in population databases (gnomAD no frequency). This variant has not been reported in the literature in individuals affected with DCHS1-related conditions. Advanced modeling of protein sequence and biophysical properties (such as structural, functional, and spatial information, amino acid conservation, physicochemical variation, residue mobility, and thermodynamic stability) performed at Invitae indicates that this missense variant is not expected to disrupt DCHS1 protein function with a negative predictive value of 95%. In summary, the available evidence is currently insufficient to determine the role of this variant in disease. Therefore, it has been classified as a Variant of Uncertain Significance.